The following is an entry in ClinVar:

NM_001267550.2(TTN):c.74249A>G (p.His24750Arg)

Genes: TTN (titin; minus strand), TTN-AS1 (TTN antisense RNA 1; plus strand). Cytogenetic location: 2q31.2.
Variant type: single nucleotide variant.
Coding change: c.74249A>G on transcript NM_001267550.2 (MANE Select); coding-DNA position 74249, A replaced by G.
Protein change: p.His24750Arg; replaces histidine 24750 with arginine.
Molecular consequence: missense variant.
Genome position (GRCh38, 1-based): chr2:178,571,883, T>C on the plus strand (A>G on the coding strand, the complement: TTN is on the minus strand). VCF-style: chr2-178571883-T-C. GRCh37 (hg19) VCF-style: chr2-179436610-T-C.
Other names: c.74249A>G (LRG_391t1); c.69326A>G, p.His23109Arg (NM_001256850.1); c.47054A>G, p.His15685Arg (NM_003319.4); c.66545A>G, p.His22182Arg (NM_133378.4); c.47429A>G, p.His15810Arg (NM_133432.3); c.47630A>G, p.His15877Arg (NM_133437.4); short protein forms H24750R, H22182R, H15685R, H15810R, H15877R, H23109R.
Identifiers: ClinVar variation 448817 (VCV000448817.3), dbSNP rs1553605597, ClinGen allele CA349635148.
Genomic context (GRCh38, chr2:178,571,883, plus strand): 5'-TTATTTTCTGTGCTCTCTGCATTTACTCTAGTTGTCTGCTTCAGTGGTACATTATCTTTA[T>C]GCCAGGTTACAGCTGGGGTAGGGCGGCCAATGAATGGAACATCAACTTTTAGGTCTTCAC-3'
Protein context (NP_001254479.2, residues 24740-24760): IGRPTPAVTW[His24750Arg]KDNVPLKQTT

ClinVar aggregate classification (germline): Uncertain significance. Review status: criteria provided, multiple submitters, no conflicts (2 of 4 stars). 2 submissions from 2 submitters: Uncertain significance (2). Last evaluated 2020-05-22.

Submissions (2):

GeneDx
Classification: Uncertain significance. Last evaluated: 2020-05-22. Review status: criteria provided, single submitter. Criteria: GeneDx Variant Classification Process June 2021. Collection method: clinical testing. Allele origin: germline. Affected: yes.
Comment: Not observed in large population cohorts (Lek et al., 2016); Missense variant in a gene in which most reported pathogenic variants are truncating/loss-of-function; Has not been previously published as pathogenic or benign to our knowledge

Athena Diagnostics
Classification: Uncertain significance. Last evaluated: 2016-12-31. Review status: criteria provided, single submitter. Criteria: Athena Diagnostics Criteria. Collection method: clinical testing. Allele origin: germline.